The following is an entry in ClinVar:

ClinVar aggregate classification (germline): Uncertain significance. Review status: criteria provided, multiple submitters, no conflicts (2 of 4 stars). 3 submissions from 3 submitters: Uncertain significance (3). Last evaluated 2022-07-25.

Conditions:
Alstrom syndrome (ALMS). Identifiers: Orphanet 64, MedGen C0268425, MONDO:0008763, OMIM 203800.

Allele frequency attached by ClinVar (database versions not stated): gnomAD 0.00001.
gnomAD v4.1: 2 of 1,613,408 alleles (0.00012%); highest among the groups gnomAD compares: Non-Finnish European, 0.00017%; no homozygotes.

Submissions (3):

Labcorp Genetics (formerly Invitae), Labcorp
Classification: Uncertain significance for Alstrom syndrome. Last evaluated: 2022-07-25. Review status: criteria provided, single submitter. Criteria: Invitae Variant Classification Sherloc (09022015). Collection method: clinical testing. Allele origin: germline.
Comment: This sequence change replaces histidine, which is basic and polar, with leucine, which is neutral and non-polar, at codon 3957 of the ALMS1 protein (p.His3957Leu). This variant is not present in population databases (gnomAD no frequency). This variant has not been reported in the literature in individuals affected with ALMS1-related conditions. ClinVar contains an entry for this variant (Variation ID: 1450076). Experimental studies and prediction algorithms are not available or were not evaluated, and the functional significance of this variant is currently unknown. In summary, the available evidence is currently insufficient to determine the role of this variant in disease. Therefore, it has been classified as a Variant of Uncertain Significance.

Fulgent Genetics
Classification: Uncertain significance for Alstrom syndrome. Last evaluated: 2021-12-27. Review status: criteria provided, single submitter. Criteria: ACMG Guidelines, 2015. Collection method: clinical testing. Allele origin: unknown.

Blueprint Genetics
Classification: Uncertain significance. Last evaluated: 2017-11-23. Review status: criteria provided, single submitter. Criteria: ACMG Guidelines, 2015. Collection method: clinical testing. Allele origin: germline.

NM_001378454.1(ALMS1):c.11867A>T (p.His3956Leu)

Gene: ALMS1 (ALMS1 centrosome and basal body associated protein; plus strand). Cytogenetic location: 2p13.1.
Variant type: single nucleotide variant.
Coding change: c.11867A>T on transcript NM_001378454.1 (MANE Select); coding-DNA position 11867, A replaced by T.
Protein change: p.His3956Leu; replaces histidine 3956 with leucine.
Molecular consequence: missense variant.
Genome position (GRCh38, 1-based): chr2:73,600,876, A>T. VCF-style: chr2-73600876-A-T. GRCh37 (hg19) VCF-style: chr2-73828003-A-T.
Other names: c.11870A>T, p.His3957Leu (NM_015120.4); short protein forms H3956L, H3957L.
Identifiers: ClinVar variation 1450076 (VCV001450076.5), dbSNP rs553786370, ClinGen allele CA347265182.
Genomic context (GRCh38, chr2:73,600,876, plus strand): 5'-AAATGCTCTTTACCGGTTATCCTGAGGACAGAAAGTTAAAAAAGAACAAGAAGAATTCCC[A>T]TGAAGGTCAGTTTCTCATTCCAGATCTTGTAGTAGAGAAACTAGTGAATTTCAAGTCCCC-3'
Protein context (NP_001365383.1, residues 3946-3966): RKLKKNKKNS[His3956Leu]EGVSWFVPVE